The following is an entry in ClinVar:

ClinVar aggregate classification (germline): Uncertain significance (1 of 4 stars; one submission).

Submission:

Labcorp Genetics (formerly Invitae), Labcorp
Classification: Uncertain significance. Last evaluated: 2022-02-10. Review status: criteria provided, single submitter. Criteria: Invitae Variant Classification Sherloc (09022015). Collection method: clinical testing. Allele origin: germline.
Comment: This sequence change replaces lysine, which is basic and polar, with asparagine, which is neutral and polar, at codon 802 of the LRP5 protein (p.Lys802Asn). This variant is not present in population databases (gnomAD no frequency). This variant has not been reported in the literature in individuals affected with LRP5-related conditions. Advanced modeling of protein sequence and biophysical properties (such as structural, functional, and spatial information, amino acid conservation, physicochemical variation, residue mobility, and thermodynamic stability) performed at Invitae indicates that this missense variant is not expected to disrupt LRP5 protein function. In summary, the available evidence is currently insufficient to determine the role of this variant in disease. Therefore, it has been classified as a Variant of Uncertain Significance.

NM_002335.4(LRP5):c.2406G>T (p.Lys802Asn)

Gene: LRP5 (LDL receptor related protein 5; plus strand). Cytogenetic location: 11q13.2.
Variant type: single nucleotide variant.
Coding change: c.2406G>T on transcript NM_002335.4 (MANE Select); coding-DNA position 2406, G replaced by T.
Protein change: p.Lys802Asn; replaces lysine 802 with asparagine.
Molecular consequence: missense variant.
Genome position (GRCh38, 1-based): chr11:68,411,523, G>T. VCF-style: chr11-68411523-G-T. GRCh37 (hg19) VCF-style: chr11-68178991-G-T.
Other names: c.663G>T, p.Lys221Asn (NM_001291902.2); short protein forms K221N, K802N.
Identifiers: ClinVar variation 2096165 (VCV002096165.4), dbSNP rs2098659521, ClinGen allele CA381617114.
Genomic context (GRCh38, chr11:68,411,523, plus strand): 5'-CAAGCCGAGGATCGTGCGGGCCTTCATGGACGGGACCAACTGCATGACGCTGGTGGACAA[G>T]GTGGGCCGGGCCAACGACCTCACCATTGACTACGCTGACCAGCGCCTCTACTGGACCGAC-3'
Protein context (NP_002326.2, residues 792-812): DGTNCMTLVD[Lys802Asn]VGRANDLTID